The following is an entry in ClinVar:

ClinVar aggregate classification (germline): Uncertain significance. Review status: criteria provided, multiple submitters, no conflicts (2 of 4 stars). 2 submissions from 2 submitters: Uncertain significance (2). Last evaluated 2023-05-11.

Conditions:
Spinocerebellar ataxia type 19/22 (SCA19). Also called: SPINOCEREBELLAR ATAXIA 19; SPINOCEREBELLAR ATAXIA 22. Identifiers: Orphanet 98772, MedGen C1846367, MONDO:0011819, OMIM 607346.
Cardiovascular phenotype. Identifiers: MedGen CN230736.

Allele frequency attached by ClinVar (database versions not stated): gnomAD exomes below 0.00001; ExAC 0.00001; TOPMed 0.00001; gnomAD 0.00002.
gnomAD v4.1: 8 of 1,614,052 alleles (0.0005%); highest among the groups gnomAD compares: Admixed American, 0.0033%; no homozygotes.

Submissions (2):

Labcorp Genetics (formerly Invitae), Labcorp
Classification: Uncertain significance for Spinocerebellar ataxia type 19/22. Last evaluated: 2023-05-11. Review status: criteria provided, single submitter. Criteria: Invitae Variant Classification Sherloc (09022015). Collection method: clinical testing. Allele origin: germline.
Comment: In summary, the available evidence is currently insufficient to determine the role of this variant in disease. Therefore, it has been classified as a Variant of Uncertain Significance. Advanced modeling of protein sequence and biophysical properties (such as structural, functional, and spatial information, amino acid conservation, physicochemical variation, residue mobility, and thermodynamic stability) performed at Invitae indicates that this missense variant is not expected to disrupt KCND3 protein function. This variant has not been reported in the literature in individuals affected with KCND3-related conditions. This variant is present in population databases (rs749559538, gnomAD 0.003%). This sequence change replaces glutamic acid, which is acidic and polar, with lysine, which is basic and polar, at codon 522 of the KCND3 protein (p.Glu522Lys).

Ambry Genetics
Classification: Uncertain significance for Cardiovascular phenotype. Last evaluated: 2023-04-18. Review status: criteria provided, single submitter. Criteria: Ambry Variant Classification Scheme 2023. Collection method: clinical testing. Allele origin: germline.
Comment: The p.E522K variant (also known as c.1564G>A), located in coding exon 6 of the KCND3 gene, results from a G to A substitution at nucleotide position 1564. The glutamic acid at codon 522 is replaced by lysine, an amino acid with similar properties. This amino acid position is well conserved in available vertebrate species. In addition, the in silico prediction for this alteration is inconclusive. Since supporting evidence is limited at this time, the clinical significance of this alteration remains unclear.

NM_001378969.1(KCND3):c.1564G>A (p.Glu522Lys)

Gene: KCND3 (potassium voltage-gated channel subfamily D member 3; minus strand). Cytogenetic location: 1p13.2.
Variant type: single nucleotide variant.
Coding change: c.1564G>A on transcript NM_001378969.1 (MANE Select); coding-DNA position 1564, G replaced by A.
Protein change: p.Glu522Lys; replaces glutamic acid 522 with lysine.
Molecular consequence: missense variant.
Genome position (GRCh38, 1-based): chr1:111,777,228, C>T on the plus strand (G>A on the coding strand, the complement: KCND3 is on the minus strand). VCF-style: chr1-111777228-C-T. GRCh37 (hg19) VCF-style: chr1-112319850-C-T.
Other names: c.1507G>A, p.Glu503Lys (NM_001378970.1, NM_172198.3); c.1564G>A, p.Glu522Lys (NM_004980.5); short protein forms E522K, E503K.
Identifiers: ClinVar variation 2561524 (VCV002561524.5), dbSNP rs749559538, ClinGen allele CA1007385.
Genomic context (GRCh38, chr1:111,777,228, plus strand): 5'-GGCCTGGGTGGCTGGACAGTGAGGGACTTCTTGTGGATGGGTAGTTCTGCATTGAACTCT[C>T]CATGCAGTTCTGCTCAAACATCTGCTCATCAATAAACTCGTGGTTCTGCGGGAGGCAGAA-3'
Protein context (NP_001365898.1, residues 512-532): DEQMFEQNCM[Glu522Lys]SSMQNYPSTR